The following is an entry in ClinVar:

NM_138713.4(NFAT5):c.1909T>G (p.Ser637Ala)

Gene: NFAT5 (nuclear factor of activated T cells 5; plus strand). Cytogenetic location: 16q22.1.
Variant type: single nucleotide variant.
Coding change: c.1909T>G on transcript NM_138713.4 (MANE Select); coding-DNA position 1909, T replaced by G.
Protein change: p.Ser637Ala; replaces serine 637 with alanine.
Molecular consequence: missense variant.
Genome position (GRCh38, 1-based): chr16:69,691,074, T>G. VCF-style: chr16-69691074-T-G. GRCh37 (hg19) VCF-style: chr16-69724977-T-G.
Other names: c.1906T>G, p.Ser636Ala (NM_001113178.3); c.1234T>G, p.Ser412Ala (NM_001367709.1); c.1855T>G, p.Ser619Ala (NM_006599.4); c.1627T>G, p.Ser543Ala (NM_138714.4, NM_173214.3, NM_173215.3); short protein forms S412A, S543A, S619A, S636A, S637A.
Identifiers: ClinVar variation 1522941 (VCV001522941.6), dbSNP rs760675028, ClinGen allele CA8135679.
Genomic context (GRCh38, chr16:69,691,074, plus strand): 5'-AGCAGTATGATTAAGAGTGAAGATGTTACTCCAATGGAAGTAACAGCAGAAAAAAGATCT[T>G]CCACTATTTTTAAGGTAAGCTGTATTGACTAGTGCACAAACCTCCTATATAAAAATTGCT-3'
Protein context (NP_619727.2, residues 627-647): PMEVTAEKRS[Ser637Ala]TIFKTTKSVG

ClinVar aggregate classification (germline): Uncertain significance (1 of 4 stars; one submission).

Conditions:
Immunodeficiency. Identifiers: MedGen C0021051, MONDO:0021094, HP:0002721.

Allele frequency attached by ClinVar (database versions not stated): gnomAD 0.00001; TOPMed 0.00001; ExAC 0.00002; gnomAD exomes 0.00002.
gnomAD v4.1: 6 of 1,598,158 alleles (0.00038%); highest among the groups gnomAD compares: Non-Finnish European, 0.00051%; no homozygotes.

Submission:

Labcorp Genetics (formerly Invitae), Labcorp
Classification: Uncertain significance for Immunodeficiency. Last evaluated: 2024-02-03. Review status: criteria provided, single submitter. Criteria: Invitae Variant Classification Sherloc (09022015). Collection method: clinical testing. Allele origin: germline.
Comment: This sequence change replaces serine, which is neutral and polar, with alanine, which is neutral and non-polar, at codon 543 of the NFAT5 protein (p.Ser543Ala). This variant is present in population databases (rs760675028, gnomAD 0.004%). This variant has not been reported in the literature in individuals affected with NFAT5-related conditions. ClinVar contains an entry for this variant (Variation ID: 1522941). An algorithm developed to predict the effect of missense changes on protein structure and function (PolyPhen-2) suggests that this variant is likely to be tolerated. In summary, the available evidence is currently insufficient to determine the role of this variant in disease. Therefore, it has been classified as a Variant of Uncertain Significance.